The following is an entry in ClinVar:

ClinVar aggregate classification (germline): Uncertain significance (1 of 4 stars; one submission).

Conditions:
CPE-related disorder. Also called: CPE-related condition.

gnomAD v4.1: 2 of 1,575,280 alleles (0.00013%); highest among the groups gnomAD compares: Non-Finnish European, 0.00017%; no homozygotes.

Submission:

PreventionGenetics, part of Exact Sciences
Classification: Uncertain significance for CPE-related condition. Last evaluated: 2026-09-23. Review status: criteria provided, single submitter. Criteria: ACMG Guidelines, 2015. Collection method: clinical testing. Allele origin: germline.
Comment: The CPE c.1364G>A variant is predicted to result in the amino acid substitution p.Arg455Lys. To our knowledge, this variant has not been reported in the literature or in a large population database (gnomAD), indicating this variant is rare. At this time, the clinical significance of this variant is uncertain due to the absence of conclusive functional and genetic evidence.

NM_001873.4(CPE):c.1364G>A (p.Arg455Lys)

Gene: CPE (carboxypeptidase E; plus strand). Cytogenetic location: 4q32.3.
Variant type: single nucleotide variant.
Coding change: c.1364G>A on transcript NM_001873.4 (MANE Select); coding-DNA position 1364, G replaced by A.
Protein change: p.Arg455Lys; replaces arginine 455 with lysine.
Molecular consequence: missense variant.
Genome position (GRCh38, 1-based): chr4:165,497,543, G>A. VCF-style: chr4-165497543-G-A. GRCh37 (hg19) VCF-style: chr4-166418695-G-A.
Other names: short protein forms R455K.
Identifiers: ClinVar variation 4993901 (VCV004993901.1).